The following is an entry in ClinVar:

NM_001235.5(SERPINH1):c.95C>T (p.Thr32Ile)

Gene: SERPINH1 (serpin family H member 1; plus strand). Cytogenetic location: 11q13.5.
Variant type: single nucleotide variant.
Coding change: c.95C>T on transcript NM_001235.5 (MANE Select); coding-DNA position 95, C replaced by T.
Protein change: p.Thr32Ile; replaces threonine 32 with isoleucine.
Molecular consequence: missense variant.
Genome position (GRCh38, 1-based): chr11:75,566,444, C>T. VCF-style: chr11-75566444-C-T. GRCh37 (hg19) VCF-style: chr11-75277489-C-T.
Other names: c.95C>T, p.Thr32Ile (NM_001207014.3); short protein forms T32I.
Identifiers: ClinVar variation 2099804 (VCV002099804.4), dbSNP rs1346770501, ClinGen allele CA381888837.

ClinVar aggregate classification (germline): Uncertain significance (1 of 4 stars; one submission).

Submission:

Labcorp Genetics (formerly Invitae), Labcorp
Classification: Uncertain significance. Last evaluated: 2022-07-07. Review status: criteria provided, single submitter. Criteria: Invitae Variant Classification Sherloc (09022015). Collection method: clinical testing. Allele origin: germline.
Comment: Advanced modeling of protein sequence and biophysical properties (such as structural, functional, and spatial information, amino acid conservation, physicochemical variation, residue mobility, and thermodynamic stability) performed at Invitae indicates that this missense variant is not expected to disrupt SERPINH1 protein function. This variant has not been reported in the literature in individuals affected with SERPINH1-related conditions. This variant is not present in population databases (gnomAD no frequency). This sequence change replaces threonine, which is neutral and polar, with isoleucine, which is neutral and non-polar, at codon 32 of the SERPINH1 protein (p.Thr32Ile). In summary, the available evidence is currently insufficient to determine the role of this variant in disease. Therefore, it has been classified as a Variant of Uncertain Significance.